The following is an entry in ClinVar:

ClinVar aggregate classification (germline): Conflicting classifications of pathogenicity. Review status: criteria provided, conflicting classifications (1 of 4 stars). 3 submissions from 3 submitters: Uncertain significance (2); Likely benign (1). Last evaluated 2025-11-05.

Conditions:
Hereditary cancer-predisposing syndrome. Also called: Tumor predisposition; Hereditary Cancer Syndrome; Hereditary neoplastic syndrome; Neoplastic Syndromes, Hereditary. Identifiers: Orphanet 140162, MedGen C0027672, MeSH D009386, MONDO:0015356.
POLD1-related polyposis and colorectal cancer syndrome (CRCS10). Also called: Colorectal cancer 10; COLORECTAL CANCER, SUSCEPTIBILITY TO, ON CHROMOSOME 19q; Colorectal cancer, susceptibility to, 10. Identifiers: Orphanet 220460, MedGen C2675481, MONDO:0012953, OMIM 612591.

Allele frequency attached by ClinVar (database versions not stated): gnomAD 0.00001; gnomAD exomes 0.00001; TOPMed 0.00001.
gnomAD v4.1: 10 of 1,612,748 alleles (0.00062%); highest among the groups gnomAD compares: African/African-American, 0.0013%; no homozygotes.

Submissions (3):

Labcorp Genetics (formerly Invitae), Labcorp
Classification: Uncertain significance for POLD1-related polyposis and colorectal cancer syndrome. Last evaluated: 2025-11-05. Review status: criteria provided, single submitter. Criteria: Invitae Variant Classification Sherloc (09022015). Collection method: clinical testing. Allele origin: germline.
Comment: This sequence change replaces tyrosine, which is neutral and polar, with cysteine, which is neutral and slightly polar, at codon 517 of the POLD1 protein (p.Tyr517Cys). This variant is present in population databases (rs776293311, gnomAD 0.0009%). This variant has not been reported in the literature in individuals affected with POLD1-related conditions. ClinVar contains an entry for this variant (Variation ID: 851742). Invitae Evidence Modeling of protein sequence and biophysical properties (such as structural, functional, and spatial information, amino acid conservation, physicochemical variation, residue mobility, and thermodynamic stability) indicates that this missense variant is not expected to disrupt POLD1 protein function with a negative predictive value of 80%. In summary, the available evidence is currently insufficient to determine the role of this variant in disease. Therefore, it has been classified as a Variant of Uncertain Significance.

Ambry Genetics
Classification: Likely benign for Hereditary cancer-predisposing syndrome. Last evaluated: 2024-10-29. Review status: criteria provided, single submitter. Criteria: Ambry Variant Classification Scheme 2023. Collection method: clinical testing. Allele origin: germline.

GeneDx
Classification: Uncertain significance. Last evaluated: 2023-06-02. Review status: criteria provided, single submitter. Criteria: GeneDx Variant Classification Process June 2021. Collection method: clinical testing. Allele origin: germline. Affected: yes.
Comment: Not observed at significant frequency in large population cohorts (gnomAD); In silico analysis supports that this missense variant has a deleterious effect on protein structure/function; Has not been previously published as pathogenic or benign to our knowledge; This variant is associated with the following publications: (PMID: 20951805)

NM_002691.4(POLD1):c.1550A>G (p.Tyr517Cys)

Gene: POLD1 (DNA polymerase delta 1, catalytic subunit; plus strand). Cytogenetic location: 19q13.33.
Variant type: single nucleotide variant.
Coding change: c.1550A>G on transcript NM_002691.4 (MANE Select); coding-DNA position 1550, A replaced by G.
Protein change: p.Tyr517Cys; replaces tyrosine 517 with cysteine.
Molecular consequence: missense variant. On other transcripts: non-coding transcript variant (1).
Genome position (GRCh38, 1-based): chr19:50,407,038, A>G. VCF-style: chr19-50407038-A-G. GRCh37 (hg19) VCF-style: chr19-50910295-A-G.
Other names: c.1550A>G, p.Tyr517Cys (NM_001256849.1, NM_001308632.1); short protein forms Y517C.
Identifiers: ClinVar variation 851742 (VCV000851742.14), dbSNP rs776293311, ClinGen allele CA9596174.
Genomic context (GRCh38, chr19:50,407,038, plus strand): 5'-CCCAGAATGGGAACGACCAGACCCGCCGCCGCCTGGCTGTGTACTGCCTGAAGGATGCCT[A>G]CCTGCCACTGCGGCTGCTGGAGCGGCTCATGGTGCTGGTGAACGCCGTGGAGATGGCGAG-3'
Protein context (NP_002682.2, residues 507-527): RLAVYCLKDA[Tyr517Cys]LPLRLLERLM